The following is an entry in ClinVar:

ClinVar aggregate classification (germline): Pathogenic (1 of 4 stars; one submission).

Conditions:
Myasthenic syndrome, congenital, 22 (CMS22). Also called: PREPL DEFICIENCY. Identifiers: MedGen C4479088, MONDO:0044299, OMIM 616224.

Submission:

Labcorp Genetics (formerly Invitae), Labcorp
Classification: Pathogenic for Myasthenic syndrome, congenital, 22. Last evaluated: 2021-12-12. Review status: criteria provided, single submitter. Criteria: Invitae Variant Classification Sherloc (09022015). Collection method: clinical testing. Allele origin: germline.
Comment: For these reasons, this variant has been classified as Pathogenic. This variant disrupts a region of the PREPL protein in which other variant(s) (Deletion (Exons 9-14)) have been determined to be pathogenic (PMID: 24610330). This suggests that this is a clinically significant region of the protein, and that variants that disrupt it are likely to be disease-causing. This variant has not been reported in the literature in individuals affected with PREPL-related conditions. This variant is a gross deletion of the genomic region encompassing exon(s) 5-14 of the PREPL gene, which includes the termination codon. This deletion extends beyond the assayed region for this gene and therefore may encompass additional genes. If SLC3A1 has been tested and no copy number events are reported for it, then the 3' boundary of this event lies between the PREPL and SLC3A1 genes. This deletion is expected to alter mRNA translation or to result in a truncated or absent protein product.

Literature cited by the submitters: PubMed 24610330.

NC_000002.11:g.(?_44547318)_(44569711_?)del

Genes: PREPL (prolyl endopeptidase like; minus strand), SLC3A1 (solute carrier family 3 member 1; plus strand). Cytogenetic location: 2p21.
Variant type: Deletion.
Identifiers: ClinVar variation 2425474 (VCV002425474.3).